The following is an entry in ClinVar:

NM_000214.3(JAG1):c.3124C>T (p.Arg1042Cys)

Gene: JAG1 (jagged canonical Notch ligand 1; minus strand). Cytogenetic location: 20p12.2.
Variant type: single nucleotide variant.
Coding change: c.3124C>T on transcript NM_000214.3 (MANE Select); coding-DNA position 3124, C replaced by T.
Protein change: p.Arg1042Cys; replaces arginine 1042 with cysteine.
Molecular consequence: missense variant.
Genome position (GRCh38, 1-based): chr20:10,640,858, G>A on the plus strand (C>T on the coding strand, the complement: JAG1 is on the minus strand). VCF-style: chr20-10640858-G-A. GRCh37 (hg19) VCF-style: chr20-10621506-G-A.
Other names: short protein forms R1042C.
Identifiers: ClinVar variation 1727883 (VCV001727883.9), dbSNP rs778801776, ClinGen allele CA311368067.

ClinVar aggregate classification (germline): Conflicting classifications of pathogenicity. Review status: criteria provided, conflicting classifications (1 of 4 stars). 3 submissions from 3 submitters: Uncertain significance (1); Benign (1). 1 of the submissions does not count toward it. Last evaluated 2025-06-12.

Conditions:
JAG1-related disorder. Also called: JAG1-related condition; JAG1-related disorders.
Alagille syndrome due to a JAG1 point mutation. Also called: HEPATIC DUCTULAR HYPOPLASIA, SYNDROMATIC; Alagille Syndrome 1; JAG1-Related Alagille Syndrome. Identifiers: Orphanet 261619, Orphanet 52, MedGen C1956125, MONDO:0016862, OMIM 118450.
Cardiovascular phenotype. Identifiers: MedGen CN230736.

Allele frequency attached by ClinVar (database versions not stated): gnomAD exomes below 0.00001; TOPMed below 0.00001; gnomAD 0.00001.
gnomAD v4.1: 6 of 1,613,962 alleles (0.00037%); highest among the groups gnomAD compares: African/African-American, 0.0013%; no homozygotes.

Submissions (3):

Labcorp Genetics (formerly Invitae), Labcorp
Classification: Benign for Alagille syndrome due to a JAG1 point mutation. Last evaluated: 2025-06-12. Review status: criteria provided, single submitter. Criteria: Invitae Variant Classification Sherloc (09022015). Collection method: clinical testing. Allele origin: germline.

Ambry Genetics
Classification: Uncertain significance for Cardiovascular phenotype. Last evaluated: 2022-08-03. Review status: criteria provided, single submitter. Criteria: Ambry Variant Classification Scheme 2023. Collection method: clinical testing. Allele origin: germline.
Comment: The p.R1042C variant (also known as c.3124C>T), located in coding exon 25 of the JAG1 gene, results from a C to T substitution at nucleotide position 3124. The arginine at codon 1042 is replaced by cysteine, an amino acid with highly dissimilar properties. This amino acid position is conserved. In addition, this alteration is predicted to be deleterious by in silico analysis. Since supporting evidence is limited at this time, the clinical significance of this alteration remains unclear.

PreventionGenetics, part of Exact Sciences
Classification: Uncertain significance for JAG1-related condition. Last evaluated: 2023-10-20. Review status: no assertion criteria provided. Collection method: clinical testing. Allele origin: germline. Not counted in ClinVar's aggregate classification.
Comment: The JAG1 c.3124C>T variant is predicted to result in the amino acid substitution p.Arg1042Cys. To our knowledge, this variant has not been reported in the literature. This variant is reported in 0.011% of alleles in individuals of African descent in gnomAD. At this time, the clinical significance of this variant is uncertain due to the absence of conclusive functional and genetic evidence.